The following is an entry in ClinVar:

ClinVar aggregate classification (germline): Uncertain significance. Review status: criteria provided, multiple submitters, no conflicts (2 of 4 stars). 4 submissions from 4 submitters: Uncertain significance (3). 1 of the submissions does not count toward it. Last evaluated 2024-03-26.

Conditions:
Inborn genetic diseases. Identifiers: MedGen C0950123, MeSH D030342.
Nemaline myopathy 2 (NEM2). Also called: Nemaline myopathy 2, autosomal recessive. Identifiers: MedGen C1850569, MONDO:0009725, OMIM 256030.

Allele frequency attached by ClinVar (database versions not stated): gnomAD exomes below 0.00001 and 0.00002; gnomAD 0.00001; TOPMed 0.00001; ExAC 0.00003.
gnomAD v4.1: 4 of 1,603,756 alleles (0.00025%); highest among the groups gnomAD compares: East Asian, 0.009%; no homozygotes.

Submissions (4):

Ambry Genetics
Classification: Uncertain significance for Inborn genetic diseases. Last evaluated: 2024-03-26. Review status: criteria provided, single submitter. Criteria: Ambry Variant Classification Scheme 2023. Collection method: clinical testing. Allele origin: germline.

GeneDx
Classification: Uncertain significance. Last evaluated: 2023-12-21. Review status: criteria provided, single submitter. Criteria: GeneDx Variant Classification Process June 2021. Collection method: clinical testing. Allele origin: germline. Affected: yes.
Comment: In silico analysis supports that this missense variant has a deleterious effect on protein structure/function; Has not been previously published as pathogenic or benign to our knowledge

Labcorp Genetics (formerly Invitae), Labcorp
Classification: Uncertain significance for Nemaline myopathy 2. Last evaluated: 2022-02-24. Review status: criteria provided, single submitter. Criteria: Invitae Variant Classification Sherloc (09022015). Collection method: clinical testing. Allele origin: germline.
Comment: This sequence change replaces aspartic acid, which is acidic and polar, with tyrosine, which is neutral and polar, at codon 1921 of the NEB protein (p.Asp1921Tyr). This variant is present in population databases (rs763408172, gnomAD 0.03%). This variant has not been reported in the literature in individuals affected with NEB-related conditions. ClinVar contains an entry for this variant (Variation ID: 970727). Algorithms developed to predict the effect of missense changes on protein structure and function are either unavailable or do not agree on the potential impact of this missense change (SIFT: "Deleterious"; PolyPhen-2: "Not Available"; Align-GVGD: "Class C0"). In summary, the available evidence is currently insufficient to determine the role of this variant in disease. Therefore, it has been classified as a Variant of Uncertain Significance.

Natera, Inc.
Classification: Uncertain significance for Nemaline myopathy type 2. Last evaluated: 2020-10-16. Review status: no assertion criteria provided. Collection method: clinical testing. Allele origin: germline. Not counted in ClinVar's aggregate classification.

NM_001164508.2(NEB):c.5761G>T (p.Asp1921Tyr)

Gene: NEB (nebulin; minus strand). Cytogenetic location: 2q23.3.
Variant type: single nucleotide variant.
Coding change: c.5761G>T on transcript NM_001164508.2 (MANE Select); coding-DNA position 5761, G replaced by T.
Protein change: p.Asp1921Tyr; replaces aspartic acid 1921 with tyrosine.
Molecular consequence: missense variant.
Genome position (GRCh38, 1-based): chr2:151,663,550, C>A on the plus strand (G>T on the coding strand, the complement: NEB is on the minus strand). VCF-style: chr2-151663550-C-A. GRCh37 (hg19) VCF-style: chr2-152520064-C-A.
Other names: c.5761G>T, p.Asp1921Tyr (NM_001164507.2, NM_001271208.2, NM_004543.5); c.5761G>T (NM_004543.4); short protein forms D1921Y.
Identifiers: ClinVar variation 970727 (VCV000970727.8), dbSNP rs763408172, ClinGen allele CA1910290.
Genomic context (GRCh38, chr2:151,663,550, plus strand): 5'-TCACTCATGGTTGCTTATTATCCAGAGTAAACGCTCTGCAAATGTGGTTTTCACGTACAT[C>A]ACTTTGAATCTGCATCATATTTTTGGCCAATTCAAAGCTCATGGCATCAGGAAGCATGTT-3'
Protein context (NP_001157980.2, residues 1911-1931): LAKNMMQIQS[Asp1921Tyr]NQYKADYADF